The following is an entry in ClinVar:

ClinVar aggregate classification (germline): Uncertain significance (1 of 4 stars; one submission).

Submission:

Labcorp Genetics (formerly Invitae), Labcorp
Classification: Uncertain significance. Last evaluated: 2024-02-19. Review status: criteria provided, single submitter. Criteria: Invitae Variant Classification Sherloc (09022015). Collection method: clinical testing. Allele origin: germline.
Comment: This sequence change falls in intron 8 of the ARHGEF1 gene. It does not directly change the encoded amino acid sequence of the ARHGEF1 protein. It affects a nucleotide within the consensus splice site. This variant is not present in population databases (gnomAD no frequency). This variant has not been reported in the literature in individuals affected with ARHGEF1-related conditions. Variants that disrupt the consensus splice site are a relatively common cause of aberrant splicing (PMID: 17576681, 9536098). Algorithms developed to predict the effect of sequence changes on RNA splicing suggest that this variant is not likely to affect RNA splicing. In summary, the available evidence is currently insufficient to determine the role of this variant in disease. Therefore, it has been classified as a Variant of Uncertain Significance.

Literature cited by the submitters: PubMed 17576681; PubMed 9536098.

NM_004706.4(ARHGEF1):c.644+3G>A

Gene: ARHGEF1 (Rho guanine nucleotide exchange factor 1; plus strand). Cytogenetic location: 19q13.2.
Variant type: single nucleotide variant.
Coding change: c.644+3G>A on transcript NM_004706.4 (MANE Select); 3 bases into the intron after coding-DNA position 644, G replaced by A.
Molecular consequence: intron variant.
Genome position (GRCh38, 1-based): chr19:41,893,306, G>A. VCF-style: chr19-41893306-G-A. GRCh37 (hg19) VCF-style: chr19-42397377-G-A.
Other names: c.644+3G>A (NM_001396003.1, NM_001396000.1, NM_001396006.1); c.545+3G>A (NM_001396002.1, NM_198977.2, NM_001396004.1); c.689+3G>A (NM_199002.2).
Identifiers: ClinVar variation 3619718 (VCV003619718.2).